The following is an entry in ClinVar:

NM_000642.3(AGL):c.2917C>T (p.Arg973Trp)

Gene: AGL (amylo-alpha-1,6-glucosidase and 4-alpha-glucanotransferase; plus strand). Cytogenetic location: 1p21.2.
Variant type: single nucleotide variant.
Coding change: c.2917C>T on transcript NM_000642.3 (MANE Select); coding-DNA position 2917, C replaced by T.
Protein change: p.Arg973Trp; replaces arginine 973 with tryptophan.
Molecular consequence: missense variant.
Genome position (GRCh38, 1-based): chr1:99,891,324, C>T. VCF-style: chr1-99891324-C-T. GRCh37 (hg19) VCF-style: chr1-100356880-C-T.
Other names: c.2869C>T, p.Arg957Trp (NM_000646.3); c.2917C>T, p.Arg973Trp (NM_001425325.1, NM_000028.3, NM_000643.3 and 1 more transcripts); c.2896C>T, p.Arg966Trp (NM_001425326.1); c.2716C>T, p.Arg906Trp (NM_001425327.1); c.2713C>T, p.Arg905Trp (NM_001425328.1); c.2578C>T, p.Arg860Trp (NM_001425329.1); c.2539C>T, p.Arg847Trp (NM_001425332.1); short protein forms R973W, R957W, R847W, R860W, R905W, R906W, R966W.
Identifiers: ClinVar variation 388494 (VCV000388494.15), dbSNP rs370787356, ClinGen allele CA966929.

ClinVar aggregate classification (germline): Uncertain significance. Review status: criteria provided, multiple submitters, no conflicts (2 of 4 stars). 5 submissions from 5 submitters: Uncertain significance (4). 1 of the submissions does not count toward it. Last evaluated 2024-04-29.

Conditions:
Glycogen storage disease type III (GSD3). Also called: FORBES DISEASE; Cori disease. Identifiers: Orphanet 366, MedGen C0017922, MONDO:0009291, OMIM 232400.

Allele frequency attached by ClinVar (database versions not stated): gnomAD 0.00001; TOPMed 0.00001; gnomAD exomes 0.00002 and 0.00004; ExAC 0.00003; ESP Exome Variant Server 0.00008.
gnomAD v4.1: 57 of 1,613,406 alleles (0.0035%); highest among the groups gnomAD compares: Non-Finnish European, 0.0042%; no homozygotes.

Submissions (5):

Labcorp Genetics (formerly Invitae), Labcorp
Classification: Uncertain significance for Glycogen storage disease type III. Last evaluated: 2024-04-29. Review status: criteria provided, single submitter. Criteria: Invitae Variant Classification Sherloc (09022015). Collection method: clinical testing. Allele origin: germline.
Comment: This sequence change replaces arginine, which is basic and polar, with tryptophan, which is neutral and slightly polar, at codon 973 of the AGL protein (p.Arg973Trp). This variant is present in population databases (rs370787356, gnomAD 0.005%). This variant has not been reported in the literature in individuals affected with AGL-related conditions. ClinVar contains an entry for this variant (Variation ID: 388494). Advanced modeling of protein sequence and biophysical properties (such as structural, functional, and spatial information, amino acid conservation, physicochemical variation, residue mobility, and thermodynamic stability) performed at Invitae indicates that this missense variant is expected to disrupt AGL protein function with a positive predictive value of 80%. In summary, the available evidence is currently insufficient to determine the role of this variant in disease. Therefore, it has been classified as a Variant of Uncertain Significance.

Fulgent Genetics
Classification: Uncertain significance for Glycogen storage disease type III. Last evaluated: 2021-08-23. Review status: criteria provided, single submitter. Criteria: ACMG Guidelines, 2015. Collection method: clinical testing. Allele origin: unknown.

Genome-Nilou Lab
Classification: Uncertain significance for Glycogen storage disease type III. Last evaluated: 2021-07-15. Review status: criteria provided, single submitter. Criteria: ACMG Guidelines, 2015. Collection method: clinical testing. Allele origin: germline. Affected: no.

GeneDx
Classification: Uncertain significance. Last evaluated: 2016-08-12. Review status: criteria provided, single submitter. Criteria: GeneDx Variant Classification (06012015). Collection method: clinical testing. Allele origin: germline. Affected: yes.
Comment: The R973W variant in the AGL gene has not been reported previously as a pathogenic variant, nor as a benign variant, to our knowledge. The R973W variant was not observed with any significant frequency in approximately 6,500 individuals of European and African American ancestry in the NHLBI Exome Sequencing Project, indicating it is not a common benign variant in these populations. The R973W variant is a non-conservative amino acid substitution, which is likely to impact secondary protein structure as these residues differ in polarity, charge, size and/or other properties. This substitution occurs at a position that is conserved across species, and in silico analysis predicts this variant is probably damaging to the protein structure/function. We interpret R973W as a variant of uncertain significance.

Natera, Inc.
Classification: Uncertain significance for Glycogen storage disease type III. Last evaluated: 2020-11-10. Review status: no assertion criteria provided. Collection method: clinical testing. Allele origin: germline. Not counted in ClinVar's aggregate classification.